The following is an entry in ClinVar:

NM_006904.7(PRKDC):c.1106T>C (p.Phe369Ser)

Gene: PRKDC (protein kinase, DNA-activated, catalytic subunit; minus strand). Cytogenetic location: 8q11.21.
Variant type: single nucleotide variant.
Coding change: c.1106T>C on transcript NM_006904.7 (MANE Select); coding-DNA position 1106, T replaced by C.
Protein change: p.Phe369Ser; replaces phenylalanine 369 with serine.
Molecular consequence: missense variant.
Genome position (GRCh38, 1-based): chr8:47,939,558, A>G on the plus strand (T>C on the coding strand, the complement: PRKDC is on the minus strand). VCF-style: chr8-47939558-A-G. GRCh37 (hg19) VCF-style: chr8-48852118-A-G.
Other names: c.1106T>C, p.Phe369Ser (NM_001081640.2); short protein forms F369S.
Identifiers: ClinVar variation 2449878 (VCV002449878.2), dbSNP rs757449221, ClinGen allele CA371166558.

ClinVar aggregate classification (germline): Uncertain significance (1 of 4 stars; one submission).

Submission:

Ambry Genetics
Classification: Uncertain significance. Last evaluated: 2023-02-05. Review status: criteria provided, single submitter. Criteria: Ambry Variant Classification Scheme 2023. Collection method: clinical testing. Allele origin: germline.
Comment: The p.F369S variant (also known as c.1106T>C), located in coding exon 11 of the PRKDC gene, results from a T to C substitution at nucleotide position 1106. The phenylalanine at codon 369 is replaced by serine, an amino acid with highly dissimilar properties. This amino acid position is conserved. In addition, this alteration is predicted to be deleterious by in silico analysis. Since supporting evidence is limited at this time, the clinical significance of this alteration remains unclear.